The following is an entry in ClinVar:

ClinVar aggregate classification (germline): Conflicting classifications of pathogenicity. Review status: criteria provided, conflicting classifications (1 of 4 stars). 6 submissions from 6 submitters: Uncertain significance (4); Likely benign (1). 1 of the submissions does not count toward it. Last evaluated 2025-11-27.

Conditions:
Hereditary cancer-predisposing syndrome. Also called: Hereditary Cancer Syndrome; Neoplastic Syndromes, Hereditary; Tumor predisposition; Hereditary neoplastic syndrome. Identifiers: Orphanet 140162, MedGen C0027672, MeSH D009386, MONDO:0015356.
Familial cancer of breast. Also called: Hereditary breast cancer; hereditary breast carcinoma; BREAST CANCER, FAMILIAL. Identifiers: Orphanet 227535, MedGen C0346153, MONDO:0016419, OMIM 114480. Disease mechanism: loss of function.
Ataxia-telangiectasia syndrome (AT). Also called: Ataxia telangiectasia (A-T); Ataxia-telangiectasia, complementation group E; LOUIS-BAR SYNDROME; Cerebello-oculocutaneous telangiectasia; Immunodeficiency with ataxia telangiectasia; Ataxia-telangiectasia, complementation group D. Identifiers: Orphanet 100, MedGen C0004135, MONDO:0008840, OMIM 208900.

Allele frequency attached by ClinVar (database versions not stated): gnomAD exomes below 0.00001.
gnomAD v4.1: 7 of 1,611,562 alleles (0.00043%); highest among the groups gnomAD compares: South Asian, 0.0022%; no homozygotes.

Submissions (6):

Labcorp Genetics (formerly Invitae), Labcorp
Classification: Uncertain significance for Ataxia-telangiectasia syndrome. Last evaluated: 2025-11-27. Review status: criteria provided, single submitter. Criteria: Invitae Variant Classification Sherloc (09022015). Collection method: clinical testing. Allele origin: germline.
Comment: This sequence change replaces glutamine, which is neutral and polar, with glutamic acid, which is acidic and polar, at codon 1128 of the ATM protein (p.Gln1128Glu). This variant is present in population databases (no rsID available, gnomAD no frequency). This variant has not been reported in the literature in individuals affected with ATM-related conditions. ClinVar contains an entry for this variant (Variation ID: 232533). Invitae Evidence Modeling of protein sequence and biophysical properties (such as structural, functional, and spatial information, amino acid conservation, physicochemical variation, residue mobility, and thermodynamic stability) indicates that this missense variant is not expected to disrupt ATM protein function with a negative predictive value of 95%. In summary, the available evidence is currently insufficient to determine the role of this variant in disease. Therefore, it has been classified as a Variant of Uncertain Significance.

Ambry Genetics
Classification: Likely benign for Hereditary cancer-predisposing syndrome. Last evaluated: 2024-07-29. Review status: criteria provided, single submitter. Criteria: Ambry Variant Classification Scheme 2023. Collection method: clinical testing. Allele origin: germline.

Department of Pathology and Laboratory Medicine, Sinai Health System
Classification: Uncertain significance for Familial cancer of breast. Last evaluated: 2024-01-22. Review status: criteria provided, single submitter. Criteria: ACMG Guidelines, 2015. Collection method: clinical testing. Allele origin: germline. Affected: yes.

Color Diagnostics, LLC DBA Color Health
Classification: Uncertain significance for Hereditary cancer-predisposing syndrome. Last evaluated: 2023-12-05. Review status: criteria provided, single submitter. Criteria: ACMG Guidelines, 2015. Collection method: clinical testing. Allele origin: germline.
Comment: This missense variant replaces glutamine with glutamic acid at codon 1128 of the ATM protein. Computational prediction suggests that this variant may not impact protein structure and function (internally defined REVEL score threshold <= 0.5, PMID: 27666373). To our knowledge, functional studies have not been reported for this variant. This variant has not been reported in individuals affected with ATM-related disorders in the literature. This variant has been identified in 1/250912 chromosomes in the general population by the Genome Aggregation Database (gnomAD). The available evidence is insufficient to determine the role of this variant in disease conclusively. Therefore, this variant is classified as a Variant of Uncertain Significance.

Genome-Nilou Lab
Classification: Uncertain significance for Ataxia-telangiectasia syndrome. Last evaluated: 2021-07-14. Review status: criteria provided, single submitter. Criteria: ACMG Guidelines, 2015. Collection method: clinical testing. Allele origin: germline. Affected: no.

Natera, Inc.
Classification: Uncertain significance for Ataxia-telangiectasia. Last evaluated: 2020-07-15. Review status: no assertion criteria provided. Collection method: clinical testing. Allele origin: germline. Not counted in ClinVar's aggregate classification.

NM_000051.4(ATM):c.3382C>G (p.Gln1128Glu)

Gene: ATM (ATM serine/threonine kinase; plus strand). Cytogenetic location: 11q22.3.
Variant type: single nucleotide variant.
Coding change: c.3382C>G on transcript NM_000051.4 (MANE Select); coding-DNA position 3382, C replaced by G.
Protein change: p.Gln1128Glu; replaces glutamine 1128 with glutamic acid.
Molecular consequence: missense variant.
Genome position (GRCh38, 1-based): chr11:108,279,588, C>G. VCF-style: chr11-108279588-C-G. GRCh37 (hg19) VCF-style: chr11-108150315-C-G.
Other names: c.3382C>G, p.Gln1128Glu (NM_001351834.2); short protein forms Q1128E.
Identifiers: ClinVar variation 232533 (VCV000232533.25), dbSNP rs876659825, ClinGen allele CA10579103.
Genomic context (GRCh38, chr11:108,279,588, plus strand): 5'-CTGAAAGCACTTCCTTTGAAGCTTCAGCAAACAGCTTTTGAAAATGCATACTTGAAAGCT[C>G]AGGAAGGAATGAGAGAAATGGTAATTTTAAGTAACATGTATTTGCTGTTATCATATGCTT-3'
Protein context (NP_000042.3, residues 1118-1138): TAFENAYLKA[Gln1128Glu]EGMREMSHSA